The following is an entry in ClinVar:

ClinVar aggregate classification (germline): Uncertain significance (1 of 4 stars; one submission).

Allele frequency attached by ClinVar (database versions not stated): gnomAD exomes 0.00001.
gnomAD v4.1: 5 of 1,613,940 alleles (0.00031%); highest among the groups gnomAD compares: Non-Finnish European, 0.00042%; no homozygotes.

Submission:

Labcorp Genetics (formerly Invitae), Labcorp
Classification: Uncertain significance. Last evaluated: 2022-08-09. Review status: criteria provided, single submitter. Criteria: Invitae Variant Classification Sherloc (09022015). Collection method: clinical testing. Allele origin: germline.
Comment: This sequence change replaces proline, which is neutral and non-polar, with serine, which is neutral and polar, at codon 540 of the CLCC1 protein (p.Pro540Ser). This variant is not present in population databases (gnomAD no frequency). In summary, the available evidence is currently insufficient to determine the role of this variant in disease. Therefore, it has been classified as a Variant of Uncertain Significance. Algorithms developed to predict the effect of missense changes on protein structure and function output the following: SIFT: "Tolerated"; PolyPhen-2: "Benign"; Align-GVGD: "Class C0". The serine amino acid residue is found in multiple mammalian species, which suggests that this missense change does not adversely affect protein function. This variant has not been reported in the literature in individuals affected with CLCC1-related conditions.

NM_001377458.1(CLCC1):c.1618C>T (p.Pro540Ser)

Gene: CLCC1 (chloride channel CLIC like 1; minus strand). Cytogenetic location: 1p13.3.
Variant type: single nucleotide variant.
Coding change: c.1618C>T on transcript NM_001377458.1 (MANE Select); coding-DNA position 1618, C replaced by T.
Protein change: p.Pro540Ser; replaces proline 540 with serine.
Molecular consequence: missense variant. On other transcripts: non-coding transcript variant (1).
Genome position (GRCh38, 1-based): chr1:108,934,708, G>A on the plus strand (C>T on the coding strand, the complement: CLCC1 is on the minus strand). VCF-style: chr1-108934708-G-A. GRCh37 (hg19) VCF-style: chr1-109477330-G-A.
Other names: c.1618C>T, p.Pro540Ser (NM_001048210.3, NM_001377459.1, NM_001377460.1 and 8 more transcripts); c.1255C>T, p.Pro419Ser (NM_001278202.2); c.1063C>T, p.Pro355Ser (NM_001278203.1); c.1516C>T, p.Pro506Ser (NM_001377469.1); c.1327C>T, p.Pro443Ser (NM_001377470.1); c.1468C>T, p.Pro490Ser (NM_015127.5); short protein forms P355S, P419S, P443S, P490S, P506S, P540S.
Identifiers: ClinVar variation 1713597 (VCV001713597.5), dbSNP rs2524074436, ClinGen allele CA341455235.
Genomic context (GRCh38, chr1:108,934,708, plus strand): 5'-TGTCGTTTGTGCTGGTGTTCCTCTAGCCACAGGGGCTGCTGACCGGATCCTGTCCACGTG[G>A]TCCAGCCACACCTCTTGCGGGGCTGTATGTGCTGCCTTGGTCTGGGCTGCCTGCGGCTTC-3'
Protein context (NP_001364387.1, residues 530-550): TYSPARGVAG[Pro540Ser]RGQDPVSSPC